The following is an entry in ClinVar:

NM_002907.4(RECQL):c.1117G>A (p.Ala373Thr)

Gene: RECQL (RecQ like helicase; minus strand). Cytogenetic location: 12p12.1.
Variant type: single nucleotide variant.
Coding change: c.1117G>A on transcript NM_002907.4 (MANE Select); coding-DNA position 1117, G replaced by A.
Protein change: p.Ala373Thr; replaces alanine 373 with threonine.
Molecular consequence: missense variant.
Genome position (GRCh38, 1-based): chr12:21,475,567, C>T on the plus strand (G>A on the coding strand, the complement: RECQL is on the minus strand). VCF-style: chr12-21475567-C-T. GRCh37 (hg19) VCF-style: chr12-21628501-C-T.
Other names: c.1117G>A, p.Ala373Thr (NM_032941.3); short protein forms A373T.
Identifiers: ClinVar variation 3787906 (VCV003787906.1).

ClinVar aggregate classification (germline): Uncertain significance (1 of 4 stars; one submission).

gnomAD v4.1: 1 of 1,612,242 alleles (0.000062%); highest among the groups gnomAD compares: Non-Finnish European, 0.000085%; no homozygotes.

Submission:

Ambry Genetics
Classification: Uncertain significance. Last evaluated: 2025-01-14. Review status: criteria provided, single submitter. Criteria: Ambry Variant Classification Scheme 2023. Collection method: clinical testing. Allele origin: germline.
Comment: The p.A373T variant (also known as c.1117G>A), located in coding exon 9 of the RECQL gene, results from a G to A substitution at nucleotide position 1117. The alanine at codon 373 is replaced by threonine, an amino acid with similar properties. This amino acid position is conserved. In addition, this alteration is predicted to be deleterious by in silico analysis. Based on the available evidence, the clinical significance of this variant remains unclear.